The following is an entry in ClinVar:

NM_002017.5(FLI1):c.280G>A (p.Gly94Arg)

Gene: FLI1 (Fli-1 proto-oncogene, ETS transcription factor; plus strand). Cytogenetic location: 11q24.3.
Variant type: single nucleotide variant.
Coding change: c.280G>A on transcript NM_002017.5 (MANE Select); coding-DNA position 280, G replaced by A.
Protein change: p.Gly94Arg; replaces glycine 94 with arginine.
Molecular consequence: missense variant. On other transcripts: intron variant (1).
Genome position (GRCh38, 1-based): chr11:128,768,167, G>A. VCF-style: chr11-128768167-G-A. GRCh37 (hg19) VCF-style: chr11-128638062-G-A.
Other names: c.181G>A, p.Gly61Arg (NM_001167681.3); c.82G>A, p.Gly28Arg (NM_001271010.2); c.10+9841G>A (NM_001271012.2); short protein forms G28R, G61R, G94R.
Identifiers: ClinVar variation 3700281 (VCV003700281.2).

ClinVar aggregate classification (germline): Uncertain significance (1 of 4 stars; one submission).

gnomAD v4.1: 36 of 1,613,692 alleles (0.0022%); highest among the groups gnomAD compares: Middle Eastern, 0.016%; no homozygotes.

Submission:

Labcorp Genetics (formerly Invitae), Labcorp
Classification: Uncertain significance. Last evaluated: 2026-02-01. Review status: criteria provided, single submitter. Criteria: Invitae Variant Classification Sherloc (09022015). Collection method: clinical testing. Allele origin: germline.
Comment: This sequence change replaces glycine, which is neutral and non-polar, with arginine, which is basic and polar, at codon 94 of the FLI1 protein (p.Gly94Arg). This variant is present in population databases (rs749474182, gnomAD 0.004%). This variant has not been reported in the literature in individuals affected with FLI1-related conditions. ClinVar contains an entry for this variant (Variation ID: 3700281). Invitae Evidence Modeling of protein sequence and biophysical properties (such as structural, functional, and spatial information, amino acid conservation, physicochemical variation, residue mobility, and thermodynamic stability) indicates that this missense variant is not expected to disrupt FLI1 protein function with a negative predictive value of 80%. In summary, the available evidence is currently insufficient to determine the role of this variant in disease. Therefore, it has been classified as a Variant of Uncertain Significance.